The following is an entry in ClinVar:

ClinVar aggregate classification (germline): Pathogenic. Review status: criteria provided, single submitter (1 of 4 stars). 4 submissions from 4 submitters: Pathogenic (1). 3 of the submissions do not count toward it. Last evaluated 2025-11-01.

Conditions:
Retinitis pigmentosa 1 (RP1). Identifiers: Orphanet 791, MedGen C0220701, MONDO:0008377, OMIM 180100.

Submissions (4):

Labcorp Genetics (formerly Invitae), Labcorp
Classification: Pathogenic. Last evaluated: 2025-11-01. Review status: criteria provided, single submitter. Criteria: Invitae Variant Classification Sherloc (09022015). Collection method: clinical testing. Allele origin: germline.
Comment: This sequence change creates a premature translational stop signal (p.Pro124Alafs*20) in the RP1 gene. It is expected to result in an absent or disrupted protein product. Loss-of-function variants in RP1 are known to be pathogenic (PMID: 11960024, 19933189). This variant is present in population databases (no rsID available, gnomAD 0.007%). This premature translational stop signal has been observed in individual(s) with clinical features of autosomal recessive retinitis pigmentosa (PMID: 22334370, 27032803). ClinVar contains an entry for this variant (Variation ID: 560493). For these reasons, this variant has been classified as Pathogenic.

Joint Genome Diagnostic Labs from Nijmegen and Maastricht, Radboudumc and MUMC+
Classification: Pathogenic for Retinitis pigmentosa 1. Last evaluated: 2016-09-01. Review status: no assertion criteria provided. Collection method: clinical testing. Allele origin: unknown. Affected: yes. Observed: 1 variant allele. Not counted in ClinVar's aggregate classification.

Clinical Genetics DNA and cytogenetics Diagnostics Lab, Erasmus MC, Erasmus Medical Center
Classification: Pathogenic. Review status: no assertion criteria provided. Collection method: clinical testing. Allele origin: germline. Affected: yes. Study: VKGL Data-share Consensus. Not counted in ClinVar's aggregate classification.

Clinical Genetics, Academic Medical Center
Classification: Pathogenic. Review status: no assertion criteria provided. Collection method: clinical testing. Allele origin: germline. Affected: yes. Study: VKGL Data-share Consensus. Not counted in ClinVar's aggregate classification.

Literature cited by the submitters: PubMed 11960024 (cited by Labcorp Genetics (formerly Invitae), Labcorp); PubMed 19933189 (cited by Labcorp Genetics (formerly Invitae), Labcorp); PubMed 22334370 (cited by Labcorp Genetics (formerly Invitae), Labcorp); PubMed 27032803 (cited by Labcorp Genetics (formerly Invitae), Labcorp).

NM_006269.2(RP1):c.368_369dup (p.Pro124fs)

Gene: RP1 (RP1 axonemal microtubule associated; plus strand). Cytogenetic location: 8q12.1.
Variant type: Microsatellite.
Coding change: c.368_369dup on transcript NM_006269.2 (MANE Select); coding-DNA positions 368 to 369, 2 bases duplicated (GC; older notation c.368_369dupGC).
Protein change: p.Pro124fs; shifts the reading frame from proline 124.
Molecular consequence: frameshift variant.
Genome position (GRCh38, 1-based): chr8:54,621,334-54,621,335, GC duplicated; duplicating any 2 consecutive bases within chr8:54,621,332-54,621,335 gives the same sequence; the c. name uses the placement nearest the transcript's 3' end. VCF-style (leftmost placement, unchanged base first): chr8-54621331-G-GGC. GRCh37 (hg19) VCF-style: chr8-55533891-G-GGC.
Other names: c.368_369dup, p.Pro124fs (NM_001375654.1); short protein forms P124fs.
Identifiers: ClinVar variation 560493 (VCV000560493.14), dbSNP rs1246397238, ClinGen allele CA582185412.